The following is an entry in ClinVar:

NM_020843.4(SCAPER):c.1686C>T (p.Arg562=)

Gene: SCAPER (S-phase cyclin A associated protein in the ER; minus strand). Cytogenetic location: 15q24.3.
Variant type: single nucleotide variant.
Coding change: c.1686C>T on transcript NM_020843.4 (MANE Select); coding-DNA position 1686, C replaced by T.
Protein change: p.Arg562=; no amino-acid change (arginine 562 retained).
Molecular consequence: synonymous variant. On other transcripts: non-coding transcript variant (1).
Genome position (GRCh38, 1-based): chr15:76,765,000, G>A on the plus strand (C>T on the coding strand, the complement: SCAPER is on the minus strand). VCF-style: chr15-76765000-G-A. GRCh37 (hg19) VCF-style: chr15-77057341-G-A.
Other names: c.948C>T, p.Arg316= (NM_001145923.2); c.1704C>T, p.Arg568= (NM_001353009.2); c.1284C>T, p.Arg428= (NM_001353010.2, NM_001353012.2); c.1302C>T, p.Arg434= (NM_001353011.2).
Identifiers: ClinVar variation 4985650 (VCV004985650.1).

ClinVar aggregate classification (germline): Likely benign (1 of 4 stars; one submission).

Conditions:
SCAPER-related disorder. Also called: SCAPER-related condition.

gnomAD v4.1: 153 of 1,601,960 alleles (0.0096%); highest among the groups gnomAD compares: Middle Eastern, 0.017%; no homozygotes.

Submission:

PreventionGenetics, part of Exact Sciences
Classification: Likely benign for SCAPER-related condition. Last evaluated: 2025-05-17. Review status: criteria provided, single submitter. Criteria: ACMG Guidelines, 2015. Collection method: clinical testing. Allele origin: germline.
Comment: This variant is classified as likely benign based on ACMG/AMP sequence variant interpretation guidelines (Richards et al. 2015 PMID: 25741868, with internal and published modifications).